The following is an entry in ClinVar:

ClinVar aggregate classification (germline): Uncertain significance (1 of 4 stars; one submission).

Conditions:
RASopathy. Also called: rasopathies; Noonan spectrum disorder. Identifiers: Orphanet 536391, MedGen C5555857, MONDO:0021060.

Allele frequency attached by ClinVar (database versions not stated): gnomAD 0.00004 and 0.00005; TOPMed 0.00004; ESP Exome Variant Server 0.00015.
gnomAD v4.1: 9 of 1,603,998 alleles (0.00056%); highest among the groups gnomAD compares: African/African-American, 0.012%; no homozygotes.

Submission:

Labcorp Genetics (formerly Invitae), Labcorp
Classification: Uncertain significance for RASopathy. Last evaluated: 2025-10-14. Review status: criteria provided, single submitter. Criteria: Invitae Variant Classification Sherloc (09022015). Collection method: clinical testing. Allele origin: germline.
Comment: This sequence change falls in intron 7 of the CBL gene. It does not directly change the encoded amino acid sequence of the CBL protein. It affects a nucleotide within the consensus splice site. This variant is present in population databases (rs373738394, gnomAD 0.01%). This variant has not been reported in the literature in individuals affected with CBL-related conditions. ClinVar contains an entry for this variant (Variation ID: 1406035). Variants that disrupt the consensus splice site are a relatively common cause of aberrant splicing (PMID: 17576681, 9536098). Algorithms developed to predict the effect of sequence changes on RNA splicing suggest that this variant is not likely to affect RNA splicing. In summary, the available evidence is currently insufficient to determine the role of this variant in disease. Therefore, it has been classified as a Variant of Uncertain Significance.

Literature cited by the submitters: PubMed 17576681; PubMed 9536098.

NM_005188.4(CBL):c.1095+3G>A

Gene: CBL (Cbl proto-oncogene; plus strand). Cytogenetic location: 11q23.3.
Variant type: single nucleotide variant.
Coding change: c.1095+3G>A on transcript NM_005188.4 (MANE Select); 3 bases into the intron after coding-DNA position 1095, G replaced by A.
Molecular consequence: intron variant.
Genome position (GRCh38, 1-based): chr11:119,277,847, G>A. VCF-style: chr11-119277847-G-A. GRCh37 (hg19) VCF-style: chr11-119148557-G-A.
Identifiers: ClinVar variation 1406035 (VCV001406035.6), dbSNP rs373738394, ClinGen allele CA229661724.